The following is an entry in ClinVar:

ClinVar aggregate classification (germline): Conflicting classifications of pathogenicity. Review status: criteria provided, conflicting classifications (1 of 4 stars). 6 submissions from 6 submitters: Uncertain significance (2); Likely benign (3). 1 of the submissions does not count toward it. Last evaluated 2026-01-26.

Conditions:
Familial thoracic aortic aneurysm and aortic dissection (TAAD). Also called: Thoracic aortic aneurysms and dissections. Identifiers: Orphanet 91387, MedGen C4707243, MONDO:0019625.
Marfan syndrome (MFS). Also called: Marfan syndrome type 1; Marfan syndrome, classic; Marfan's syndrome; FBN1-Related Marfan Syndrome; MARFAN SYNDROME, TYPE I. Identifiers: Orphanet 284963, Orphanet 558, MedGen C0024796, MONDO:0007947, OMIM 154700.

Allele frequency attached by ClinVar (database versions not stated): TOPMed below 0.00001.
gnomAD v4.1: 4 of 1,612,904 alleles (0.00025%); highest among the groups gnomAD compares: Non-Finnish European, 0.00034%; no homozygotes.

Submissions (6):

Labcorp Genetics (formerly Invitae), Labcorp
Classification: Likely benign for Marfan syndrome; Familial thoracic aortic aneurysm and aortic dissection. Last evaluated: 2026-01-26. Review status: criteria provided, single submitter. Criteria: Invitae Variant Classification Sherloc (09022015). Collection method: clinical testing. Allele origin: germline.

Dasa
Classification: Uncertain significance. Last evaluated: 2025-08-19. Review status: criteria provided, single submitter. Criteria: DASA Assertion Criteria. Collection method: clinical testing. Allele origin: germline.
Comment: NM_000138.5(FBN1):c.1589-5T>C is a splice-region variant. This variant is rare in population databases. Computational prediction algorithms are consistent with a benign effect. The currently available literature and clinical evidence are not sufficient to establish a definitive association between this variant and the reported condition. Therefore, this variant is classified as a variant of uncertain significance.

All of Us Research Program, National Institutes of Health
Classification: Likely benign for Marfan syndrome. Last evaluated: 2023-04-28. Review status: criteria provided, single submitter. Criteria: ACMG Guidelines, 2015. Collection method: clinical testing. Allele origin: germline. Inheritance: Autosomal dominant inheritance. Observed: 4 variant alleles, 4 heterozygotes.
Comment: This study involves interpretation of variants in research participants for the purpose of population health screening. Participant phenotype was not available at the time of variant classification. Additional details can be found in publication PMID: 35346344, PMCID: PMC8962531

Revvity Omics, Revvity
Classification: Uncertain significance. Last evaluated: 2022-09-27. Review status: criteria provided, single submitter. Criteria: ACMG Guidelines, 2015. Collection method: clinical testing. Allele origin: germline.

Color Diagnostics, LLC DBA Color Health
Classification: Likely benign for Familial thoracic aortic aneurysm and aortic dissection. Last evaluated: 2020-12-14. Review status: criteria provided, single submitter. Criteria: ACMG Guidelines, 2015. Collection method: clinical testing. Allele origin: germline.

Center for Medical Genetics Ghent, University of Ghent
Classification: Uncertain significance for Marfan syndrome. Last evaluated: 2017-11-07. Review status: no assertion criteria provided. Collection method: clinical testing. Allele origin: germline. Affected: yes. Not counted in ClinVar's aggregate classification.

NM_000138.5(FBN1):c.1589-5T>C

Gene: FBN1 (fibrillin 1; minus strand). Cytogenetic location: 15q21.1.
Variant type: single nucleotide variant.
Coding change: c.1589-5T>C on transcript NM_000138.5 (MANE Select); 5 bases into the intron before coding-DNA position 1589, T replaced by C.
Molecular consequence: intron variant.
Genome position (GRCh38, 1-based): chr15:48,510,174, A>G on the plus strand (T>C on the coding strand, the complement: FBN1 is on the minus strand). VCF-style: chr15-48510174-A-G. GRCh37 (hg19) VCF-style: chr15-48802371-A-G.
Identifiers: ClinVar variation 548996 (VCV000548996.12), dbSNP rs1371798538, ClinGen allele CA617840077.